The following is an entry in ClinVar:

NM_000875.5(IGF1R):c.1101G>A (p.Gly367=)

Genes: IGF1R (insulin like growth factor 1 receptor; plus strand), LOC126862245 (P300/CBP strongly-dependent group 1 enhancer GRCh37_chr15:99439536-99440735; plus strand). Cytogenetic location: 15q26.3.
Variant type: single nucleotide variant.
Coding change: c.1101G>A on transcript NM_000875.5 (MANE Select); coding-DNA position 1101, G replaced by A.
Protein change: p.Gly367=; no amino-acid change (glycine 367 retained).
Molecular consequence: synonymous variant.
Genome position (GRCh38, 1-based): chr15:98,896,904, G>A. VCF-style: chr15-98896904-G-A. GRCh37 (hg19) VCF-style: chr15-99440133-G-A.
Other names: c.1101G>A, p.Gly367= (NM_001291858.2).
Identifiers: ClinVar variation 4765551 (VCV004765551.1).

ClinVar aggregate classification (germline): Uncertain significance (1 of 4 stars; one submission).

gnomAD v4.1: 1 of 1,613,820 alleles (0.000062%); highest among the groups gnomAD compares: African/African-American, 0.0013%; no homozygotes.

Submission:

Labcorp Genetics (formerly Invitae), Labcorp
Classification: Uncertain significance. Last evaluated: 2025-11-15. Review status: criteria provided, single submitter. Criteria: Invitae Variant Classification Sherloc (09022015). Collection method: clinical testing. Allele origin: germline.
Comment: This sequence change affects codon 367 of the IGF1R mRNA. It is a 'silent' change, meaning that it does not change the encoded amino acid sequence of the IGF1R protein. It affects a nucleotide within the consensus splice site. This variant is not present in population databases (gnomAD no frequency). This variant has not been reported in the literature in individuals affected with IGF1R-related conditions. Algorithms developed to predict the effect of sequence changes on RNA splicing suggest that this variant is not likely to affect RNA splicing. In summary, the available evidence is currently insufficient to determine the role of this variant in disease. Therefore, it has been classified as a Variant of Uncertain Significance.